The following is an entry in ClinVar:

ClinVar aggregate classification (germline): Likely benign. Review status: criteria provided, multiple submitters, no conflicts (2 of 4 stars). 2 submissions from 2 submitters: Likely benign (2). Last evaluated 2026-08-12.

Conditions:
Epidermolysis bullosa simplex 3, localized or generalized intermediate, with BP230 deficiency (EBS3). Also called: Epidermolysis bullosa simplex, autosomal recessive 2; Epidermolysis bullosa simplex due to BP230 deficiency. Identifiers: Orphanet 412181, MedGen C3809470, MONDO:0014180, OMIM 615425.
Hereditary sensory and autonomic neuropathy type 6. Also called: Neuropathy, hereditary sensory and autonomic, type VI; HSAN VI. Identifiers: Orphanet 314381, MedGen C3539003, MONDO:0013839, OMIM 614653.
DST-related disorder. Also called: DST-related condition; DST-related disorders.

Allele frequency attached by ClinVar (database versions not stated): gnomAD 0.00001 and 0.00003; TOPMed 0.00001; gnomAD exomes 0.00002 and 0.00004; ExAC 0.00006; 1000 Genomes Project 0.00020; 1000 Genomes Project 30x 0.00031.
gnomAD v4.1: 35 of 1,601,910 alleles (0.0022%); highest among the groups gnomAD compares: South Asian, 0.035%; no homozygotes.

Submissions (2):

PreventionGenetics, part of Exact Sciences
Classification: Likely benign for DST-related condition. Last evaluated: 2026-08-12. Review status: criteria provided, single submitter. Criteria: ACMG Guidelines, 2015. Collection method: clinical testing. Allele origin: germline.
Comment: This variant is classified as likely benign based on ACMG/AMP sequence variant interpretation guidelines (Richards et al. 2015 PMID: 25741868, with internal and published modifications).

Labcorp Genetics (formerly Invitae), Labcorp
Classification: Likely benign for Epidermolysis bullosa simplex 3, localized or generalized intermediate, with BP230 deficiency; Hereditary sensory and autonomic neuropathy type 6. Last evaluated: 2020-05-06. Review status: criteria provided, single submitter. Criteria: Invitae Variant Classification Sherloc (09022015). Collection method: clinical testing. Allele origin: germline.

NM_001723.7(DST):c.6306G>A (p.Val2102=)

Gene: DST (dystonin; minus strand). Cytogenetic location: 6p12.1.
Variant type: single nucleotide variant.
Coding change: c.6306G>A on transcript NM_001723.7 (MANE Plus Clinical); coding-DNA position 6306, G replaced by A.
Protein change: p.Val2102=; no amino-acid change (valine 2102 retained).
Molecular consequence: synonymous variant. On other transcripts: intron variant (10).
Genome position (GRCh38, 1-based): chr6:56,617,161, C>T on the plus strand (G>A on the coding strand, the complement: DST is on the minus strand). VCF-style: chr6-56617161-C-T. GRCh37 (hg19) VCF-style: chr6-56481959-C-T.
Other names: c.6306G>A (NM_001723.5); c.4831-2677G>A (NM_001144769.5); c.4930-2677G>A (NM_001374722.1, NM_001374736.1); c.4957-2677G>A (NM_001374734.1); c.4417-2677G>A (NM_001144770.2); c.4297-2677G>A (NM_001374730.1, NM_001386100.1, NM_183380.4 and 1 more transcripts); c.3319-2677G>A (NM_015548.5).
Identifiers: ClinVar variation 1144967 (VCV001144967.10), dbSNP rs564521119, ClinGen allele CA3870194.